The following is an entry in ClinVar:

ClinVar aggregate classification (germline): Uncertain significance (1 of 4 stars; one submission).

Conditions:
RASopathy. Also called: rasopathies; Noonan spectrum disorder. Identifiers: Orphanet 536391, MedGen C5555857, MONDO:0021060.

Submission:

Labcorp Genetics (formerly Invitae), Labcorp
Classification: Uncertain significance for RASopathy. Last evaluated: 2022-11-03. Review status: criteria provided, single submitter. Criteria: Invitae Variant Classification Sherloc (09022015). Collection method: clinical testing. Allele origin: germline.
Comment: In summary, the available evidence is currently insufficient to determine the role of this variant in disease. Therefore, it has been classified as a Variant of Uncertain Significance. Advanced modeling of protein sequence and biophysical properties (such as structural, functional, and spatial information, amino acid conservation, physicochemical variation, residue mobility, and thermodynamic stability) performed at Invitae indicates that this missense variant is expected to disrupt RAF1 protein function. This variant has not been reported in the literature in individuals affected with RAF1-related conditions. This variant is not present in population databases (gnomAD no frequency). This sequence change replaces asparagine, which is neutral and polar, with threonine, which is neutral and polar, at codon 552 of the RAF1 protein (p.Asn552Thr).

NM_002880.4(RAF1):c.1655A>C (p.Asn552Thr)

Gene: RAF1 (Raf-1 proto-oncogene, serine/threonine kinase; minus strand). Cytogenetic location: 3p25.2.
Variant type: single nucleotide variant.
Coding change: c.1655A>C on transcript NM_002880.4 (MANE Select); coding-DNA position 1655, A replaced by C.
Protein change: p.Asn552Thr; replaces asparagine 552 with threonine.
Molecular consequence: missense variant. On other transcripts: non-coding transcript variant (3).
Genome position (GRCh38, 1-based): chr3:12,585,135, T>G on the plus strand (A>C on the coding strand, the complement: RAF1 is on the minus strand). VCF-style: chr3-12585135-T-G. GRCh37 (hg19) VCF-style: chr3-12626634-T-G.
Other names: c.1715A>C, p.Asn572Thr (NM_001354689.3); c.1655A>C, p.Asn552Thr (NM_001354690.3); c.1412A>C, p.Asn471Thr (NM_001354691.3, NM_001354692.3); c.1556A>C, p.Asn519Thr (NM_001354693.3); c.1472A>C, p.Asn491Thr (NM_001354694.3); c.1313A>C, p.Asn438Thr (NM_001354695.3); short protein forms N471T, N491T, N519T, N552T, N438T, N572T.
Identifiers: ClinVar variation 2017112 (VCV002017112.4), dbSNP rs775817988, ClinGen allele CA351497309.